The following is an entry in ClinVar:

NC_000005.9:g.(?_7870908)_(7871056_?)del

Gene: MTRR (5-methyltetrahydrofolate-homocysteine methyltransferase reductase; plus strand). Cytogenetic location: 5p15.31.
Variant type: Deletion.
Identifiers: ClinVar variation 2424450 (VCV002424450.5).

ClinVar aggregate classification (germline): Pathogenic (1 of 4 stars; one submission).

Conditions:
Methylcobalamin deficiency type cblE (HMAE). Also called: HOMOCYSTINURIA-MEGALOBLASTIC ANEMIA, cblE COMPLEMENTATION TYPE; HOMOCYSTINURIA-MEGALOBLASTIC ANEMIA, cblE TYPE; VITAMIN B12-RESPONSIVE HOMOCYSTINURIA, cblE TYPE. Identifiers: Orphanet 2169, Orphanet 622, MedGen C1856057, MONDO:0009354, OMIM 236270.

Submission:

Labcorp Genetics (formerly Invitae), Labcorp
Classification: Pathogenic for Methylcobalamin deficiency type cblE. Last evaluated: 2022-09-15. Review status: criteria provided, single submitter. Criteria: Invitae Variant Classification Sherloc (09022015). Collection method: clinical testing. Allele origin: germline.
Comment: This variant is a gross deletion of the genomic region encompassing exon(s) 2 of the MTRR gene, which includes the initiator codon. This deletion extends beyond the assayed region for this gene and therefore may encompass additional genes. It is expected to result in an absent or disrupted protein product. Loss-of-function variants in MTRR are known to be pathogenic (PMID: 15714522). For these reasons, this variant has been classified as Pathogenic. This variant has not been reported in the literature in individuals affected with MTRR-related conditions.

Literature cited by the submitters: PubMed 15714522.